The following is an entry in ClinVar:

ClinVar aggregate classification (germline): Uncertain significance (0 of 4 stars; one submission).

Allele frequency attached by ClinVar (database versions not stated): gnomAD exomes below 0.00001.
gnomAD v4.1: 2 of 1,596,160 alleles (0.00013%); highest among the groups gnomAD compares: Non-Finnish European, 0.000085%; no homozygotes.

Submission:

Department of Pathology and Laboratory Medicine, Sinai Health System
Classification: Uncertain significance. Review status: no assertion criteria provided. Collection method: clinical testing. Allele origin: unknown. Affected: yes. Study: The Canadian Open Genetics Repository (COGR).
Comment: The CDH10 p.Val627Ile variant was not identified in the literature nor was it identified in dbSNP, ClinVar, Cosmic or in the following control databases: the 1000 Genomes Project, the NHLBI GO Exome Sequencing Project, or the Genome Aggregation Database (March 6, 2019, v2.1.1). The p.Val627 residue is conserved in mammals and computational analyses (PolyPhen-2, SIFT, AlignGVGD, BLOSUM, MutationTaster) provide inconsistent predictions regarding the impact to the protein; this information is not very predictive of pathogenicity. The p.(Val627Ile) variant occurs in the last three bases of the exon. This position has been shown to be part of the splicing consensus sequence and variants involving this position sometimes affect splicing. In addition, 2 of 4 in silico or computational prediction software programs (SpliceSiteFinder, MaxEntScan, NNSPLICE, GeneSplicer) predict a greater than 10% difference in splicing. In summary, based on the above information the clinical significance of this variant cannot be determined with certainty at this time. This variant is classified as a variant of uncertain significance.

NM_006727.5(CDH10):c.1885G>A (p.Val629Ile)

Gene: CDH10 (cadherin 10; minus strand). Cytogenetic location: 5p14.2.
Variant type: single nucleotide variant.
Coding change: c.1885G>A on transcript NM_006727.5 (MANE Select); coding-DNA position 1885, G replaced by A.
Protein change: p.Val629Ile; replaces valine 629 with isoleucine.
Molecular consequence: missense variant. On other transcripts: 3 prime UTR variant (1).
Genome position (GRCh38, 1-based): chr5:24,488,145, C>T on the plus strand (G>A on the coding strand, the complement: CDH10 is on the minus strand). VCF-style: chr5-24488145-C-T. GRCh37 (hg19) VCF-style: chr5-24488254-C-T.
Other names: c.103G>A, p.Val35Ile (NM_001317222.2); c.1879G>A, p.Val627Ile (NM_001317224.2); c.*3G>A (NM_001362460.1); short protein forms V35I, V627I, V629I.
Identifiers: ClinVar variation 1048957 (VCV001048957.1), dbSNP rs2111613494, ClinGen allele CA359316657.